The following is an entry in ClinVar:

ClinVar aggregate classification (germline): Benign/Likely benign. Review status: criteria provided, multiple submitters, no conflicts (2 of 4 stars). 5 submissions from 5 submitters: Benign (2); Likely benign (2). 1 of the submissions does not count toward it. Last evaluated 2025-10-10.

Conditions:
ABCB6-related disorder. Also called: ABCB6-related condition.
Langereis blood group. Also called: LANGEREIS BLOOD GROUP SYSTEM, LAN(-) PHENOTYPE. Identifiers: MedGen C3276339, OMIM 111600.
Familial pseudohyperkalemia. Also called: PSEUDOHYPERKALEMIA LILLE; PSEUDOHYPERKALEMIA EAST LONDON; CRYOHYDROCYTOSIS, MILD; Pseudohyperkalemia, familial, 2, due to red cell leak; Pseudohyperkalemia Chiswick; Pseudohyperkalemia Falkirk. Identifiers: Orphanet 90044, MedGen C1836705, MONDO:0012204, OMIM 609153.
Microphthalmia, isolated, with coloboma 7 (MCOPCB7). Also called: MICROPHTHALMIA/COLOBOMA 7; ocular coloboma. Identifiers: Orphanet 98938, MedGen C3281027, MONDO:0013783, OMIM 614497.
Dyschromatosis universalis hereditaria 3 (DUH3). Identifiers: MedGen C3809394, MONDO:0014169, OMIM 615402.

Allele frequency attached by ClinVar (database versions not stated): gnomAD 0.00274 and 0.00294; gnomAD exomes 0.00076 and 0.00026; ExAC 0.00102; ESP Exome Variant Server 0.00354; 1000 Genomes Project 0.00280; TOPMed 0.00312; 1000 Genomes Project 30x 0.00265.

Submissions (5):

Mayo Clinic Laboratories, Mayo Clinic
Classification: Likely benign. Last evaluated: 2025-10-10. Review status: criteria provided, single submitter. Criteria: ACMG Guidelines, 2015. Collection method: clinical testing. Allele origin: germline. Observed: 5 variant alleles.
Comment: BP4, BP7

Labcorp Genetics (formerly Invitae), Labcorp
Classification: Benign. Last evaluated: 2025-06-24. Review status: criteria provided, single submitter. Criteria: Invitae Variant Classification Sherloc (09022015). Collection method: clinical testing. Allele origin: germline.

Fulgent Genetics
Classification: Likely benign for Langereis blood group; Familial pseudohyperkalemia; Microphthalmia, isolated, with coloboma 7; Dyschromatosis universalis hereditaria 3. Last evaluated: 2021-10-08. Review status: criteria provided, single submitter. Criteria: ACMG Guidelines, 2015. Collection method: clinical testing. Allele origin: unknown.

Breakthrough Genomics
Classification: Benign. Review status: criteria provided, single submitter. Criteria: ACMG Guidelines, 2015. Collection method: not provided. Allele origin: germline. Inheritance: Autosomal dominant inheritance. Affected: yes.

PreventionGenetics, part of Exact Sciences
Classification: Benign for ABCB6-related condition. Last evaluated: 2019-12-05. Review status: no assertion criteria provided. Collection method: clinical testing. Allele origin: germline. Not counted in ClinVar's aggregate classification.
Comment: This variant is classified as benign based on ACMG/AMP sequence variant interpretation guidelines (Richards et al. 2015 PMID: 25741868, with internal and published modifications).

NM_005689.4(ABCB6):c.688-9C>T

Gene: ABCB6 (ATP binding cassette subfamily B member 6 (LAN blood group); minus strand). Cytogenetic location: 2q35.
Variant type: single nucleotide variant.
Coding change: c.688-9C>T on transcript NM_005689.4 (MANE Select); 9 bases into the intron before coding-DNA position 688, C replaced by T.
Molecular consequence: intron variant.
Genome position (GRCh38, 1-based): chr2:219,216,841, G>A on the plus strand (C>T on the coding strand, the complement: ABCB6 is on the minus strand). VCF-style: chr2-219216841-G-A. GRCh37 (hg19) VCF-style: chr2-220081563-G-A.
Other names: p.?; c.550-9C>T (NM_001349828.2).
Identifiers: ClinVar variation 783355 (VCV000783355.15), dbSNP rs146410593, ClinGen allele CA2119664.